The following is an entry in ClinVar:

NM_000551.4(VHL):c.608A>G (p.Gln203Arg)

Genes: VHL (von Hippel-Lindau tumor suppressor; plus strand), LOC107303340 (3p25 von Hippel-Lindau tumor suppressor, E3 ubiquitin protein ligase Alu-mediated recombination region; plus strand). Cytogenetic location: 3p25.3.
Variant type: single nucleotide variant.
Coding change: c.608A>G on transcript NM_000551.4 (MANE Select); coding-DNA position 608, A replaced by G.
Protein change: p.Gln203Arg; replaces glutamine 203 with arginine.
Molecular consequence: missense variant. On other transcripts: 3 prime UTR variant (1).
Genome position (GRCh38, 1-based): chr3:10,149,931, A>G. VCF-style: chr3-10149931-A-G. GRCh37 (hg19) VCF-style: chr3-10191615-A-G.
Other names: c.*162A>G (NM_001354723.2); c.485A>G, p.Gln162Arg (NM_198156.3); short protein forms Q203R, Q162R.
Identifiers: ClinVar variation 486716 (VCV000486716.16), dbSNP rs1270568049, ClinGen allele CA351756617.

ClinVar aggregate classification (germline): Uncertain significance. Review status: criteria provided, multiple submitters, no conflicts (2 of 4 stars). 4 submissions from 4 submitters: Uncertain significance (4). Last evaluated 2024-10-29.

Conditions:
Chuvash polycythemia. Also called: POLYCYTHEMIA, VHL-DEPENDENT. Identifiers: Orphanet 238557, MedGen C1837915, MONDO:0009892, OMIM 263400.
Von Hippel-Lindau syndrome (VHLS). Also called: VHL syndrome; Von Hippel-Lindau; von Hippel–Lindau syndrome. Identifiers: Orphanet 892, MedGen C0019562, MONDO:0008667, OMIM 193300. Disease mechanism: loss of function.
Hereditary cancer-predisposing syndrome. Also called: Tumor predisposition; Neoplastic Syndromes, Hereditary; Hereditary Cancer Syndrome; Hereditary neoplastic syndrome. Identifiers: Orphanet 140162, MedGen C0027672, MeSH D009386, MONDO:0015356.

Allele frequency attached by ClinVar (database versions not stated): gnomAD 0.00001; TOPMed 0.00001.

Submissions (4):

Ambry Genetics
Classification: Uncertain significance for Hereditary cancer-predisposing syndrome. Last evaluated: 2024-10-29. Review status: criteria provided, single submitter. Criteria: Ambry Variant Classification Scheme 2023. Collection method: clinical testing. Allele origin: germline.
Comment: The p.Q203R variant (also known as c.608A>G), located in coding exon 3 of the VHL gene, results from an A to G substitution at nucleotide position 608. The glutamine at codon 203 is replaced by arginine, an amino acid with highly similar properties. This amino acid position is well conserved in available vertebrate species. In addition, the in silico prediction for this alteration is inconclusive. Based on the available evidence, the clinical significance of this variant remains unclear.

Labcorp Genetics (formerly Invitae), Labcorp
Classification: Uncertain significance for Von Hippel-Lindau syndrome; Chuvash polycythemia. Last evaluated: 2024-08-03. Review status: criteria provided, single submitter. Criteria: Invitae Variant Classification Sherloc (09022015). Collection method: clinical testing. Allele origin: germline.
Comment: This sequence change replaces glutamine, which is neutral and polar, with arginine, which is basic and polar, at codon 203 of the VHL protein (p.Gln203Arg). This variant is present in population databases (no rsID available, gnomAD 0.01%). This variant has not been reported in the literature in individuals affected with VHL-related conditions. ClinVar contains an entry for this variant (Variation ID: 486716). Advanced modeling of protein sequence and biophysical properties (such as structural, functional, and spatial information, amino acid conservation, physicochemical variation, residue mobility, and thermodynamic stability) has been performed at Invitae for this missense variant, however the output from this modeling did not meet the statistical confidence thresholds required to predict the impact of this variant on VHL protein function. In summary, the available evidence is currently insufficient to determine the role of this variant in disease. Therefore, it has been classified as a Variant of Uncertain Significance.

All of Us Research Program, National Institutes of Health
Classification: Uncertain significance for Von Hippel-Lindau syndrome. Last evaluated: 2023-11-30. Review status: criteria provided, single submitter. Criteria: ACMG Guidelines, 2015. Collection method: clinical testing. Allele origin: germline. Inheritance: Autosomal dominant inheritance. Observed: 1 variant allele, 1 heterozygote.
Comment: This study involves interpretation of variants in research participants for the purpose of population health screening. Participant phenotype was not available at the time of variant classification. Additional details can be found in publication PMID: 35346344, PMCID: PMC8962531

Baylor Genetics
Classification: Uncertain significance for Chuvash polycythemia. Last evaluated: 2023-06-16. Review status: criteria provided, single submitter. Criteria: ACMG Guidelines, 2015. Collection method: clinical testing. Allele origin: unknown.